The following is an entry in ClinVar:

ClinVar aggregate classification (germline): Uncertain significance (1 of 4 stars; one submission).

Submission:

Women's Health and Genetics/Laboratory Corporation of America, LabCorp
Classification: Uncertain significance. Last evaluated: 2023-08-29. Review status: criteria provided, single submitter. Criteria: LabCorp Variant Classification Summary - May 2015. Collection method: clinical testing. Allele origin: germline.
Comment: Variant summary: The variant identified by MLPA or other technology involves the duplication of exons 1-6 (i.e. the full coding sequence) of the SHOX gene. Since the exact breakpoints of this duplication are not known, it might extend beyond the assayed region of the gene and include cis-regulatory elements, or other flanking genes. A presumed nomenclature of c.(?_-692)_(*2188_?)dup has been designated for the purposes of this classification. It has been assumed that this is a tandem duplication in direct orientation (Richardson_GIM_2018, Newman_AJHG_2015). Since the exact breakpoints of this duplication are not known, it is not possible to predict the protein level effect of this variant. The SHOX gene is located in a pseudoautosomal region of the X and Y chromosomes, and a large duplication variant (~104 kbp) involving the entire SHOX gene was found at a frequency of 0.00023 in 21648 control chromosomes in the gnomAD structural variants dataset. In addition, several duplication variants which encompass the whole SHOX gene are reported in this region ranging in size from 104 kbp to 1.67 Mbp, and each of these are observed in 1-7 alleles (with no homozygous occurrences). The available data on variant occurrences in the general population are insufficient to allow any conclusion about variant significance. Several copy number variants involving the duplication of the full coding sequence) of the SHOX gene together with variable regions in the 5'- and 3' UTRs have been reported in the literature in association with various phenotypes, e.g. tall stature, short stature, Leri-Weill dyschondrosteosis (see HGMD), however other phenotypes are also reported, e.g. autism spectrum disorder (PMID 27073233), and talipes equinovarus (PMID 32518174). A recent study (Bunyan_2023, PMID 36927524) suggested that the transcription of SHOX is dependent upon the interaction of the gene with a complex array of flanking regulatory elements, and while tall stature was present in a proportion of the full SHOX gene duplication cases, SHOX whole gene duplications also resulted in phenotypes more typically associated with SHOX haploinsufficiency, and were significantly over-represented in Leri-Weill Dyschondrosteosis and idiopathic short stature probands compared to population controls. This study concluded that there may be potential genotype-phenotype correlations regarding the duplication size and regulatory element content, however, similar duplications did not always produce a consistent phenotype, suggesting a highly variable expressivity. Several submitters have cited clinical-significance assessments for variants which include whole gene duplication of the SHOX gene to ClinVar after 2014, and most of them classified these variants as a VUS, or likely benign, without providing classification details. Based on the evidence outlined above, large duplication variants involving the full coding sequence of the SHOX gene, together with flanking DNA segments that affect essential cis-regulatory regions, were classified as uncertain significance.

NC_000023.10:g.(?_585078)_(607559_?)dup

Gene: SHOX (SHOX homeobox; plus strand). Cytogenetic location: Xp22.33.
Variant type: Duplication.
Identifiers: ClinVar variation 2581424 (VCV002581424.1).